The following is an entry in ClinVar:

NM_001142800.2(EYS):c.2836C>T (p.Leu946=)

Gene: EYS (EGF-like photoreceptor maintenance factor; minus strand). Cytogenetic location: 6q12.
Variant type: single nucleotide variant.
Coding change: c.2836C>T on transcript NM_001142800.2 (MANE Select); coding-DNA position 2836, C replaced by T.
Protein change: p.Leu946=; no amino-acid change (leucine 946 retained).
Molecular consequence: synonymous variant.
Genome position (GRCh38, 1-based): chr6:64,902,123, G>A on the plus strand (C>T on the coding strand, the complement: EYS is on the minus strand). VCF-style: chr6-64902123-G-A. GRCh37 (hg19) VCF-style: chr6-65612016-G-A.
Other names: c.2836C>T (NM_001142800.1); c.2836C>T, p.Leu946= (NM_001292009.2).
Identifiers: ClinVar variation 1152662 (VCV001152662.10), dbSNP rs981685069, ClinGen allele CA140379009.
Genomic context (GRCh38, chr6:64,902,123, plus strand): 5'-GTTGAATTACACACATCAAATAATTAATTTAATAAAAAGTAGCTTCTCACCTGTTTGTCA[G>A]ATCCACACATGTTCCATTATTTTTGCAAGGTTCAGAGGAACATTCATTAATTTCAATTTC-3'
Protein context (NP_001136272.1, residues 936-956): PCKNNGTCVD[Leu946=]TNRFFCNCEP

ClinVar aggregate classification (germline): Likely benign. Review status: criteria provided, multiple submitters, no conflicts (2 of 4 stars). 2 submissions from 2 submitters: Likely benign (2). Last evaluated 2026-07-27.

Conditions:
EYS-related disorder. Also called: EYS-related condition.

Allele frequency attached by ClinVar (database versions not stated): TOPMed below 0.00001; gnomAD 0.00001; gnomAD exomes 0.00001 and 0.00002.
gnomAD v4.1: 30 of 1,541,516 alleles (0.0019%); highest among the groups gnomAD compares: Non-Finnish European, 0.0026%; no homozygotes.

Submissions (2):

PreventionGenetics, part of Exact Sciences
Classification: Likely benign for EYS-related condition. Last evaluated: 2026-07-27. Review status: criteria provided, single submitter. Criteria: ACMG Guidelines, 2015. Collection method: clinical testing. Allele origin: germline.
Comment: This variant is classified as likely benign based on ACMG/AMP sequence variant interpretation guidelines (Richards et al. 2015 PMID: 25741868, with internal and published modifications).

Labcorp Genetics (formerly Invitae), Labcorp
Classification: Likely benign. Last evaluated: 2023-06-05. Review status: criteria provided, single submitter. Criteria: Invitae Variant Classification Sherloc (09022015). Collection method: clinical testing. Allele origin: germline.